The following is an entry in ClinVar:

NM_000088.4(COL1A1):c.1220G>A (p.Gly407Asp)

Gene: COL1A1 (collagen type I alpha 1 chain; minus strand). Cytogenetic location: 17q21.33.
Variant type: single nucleotide variant.
Coding change: c.1220G>A on transcript NM_000088.4 (MANE Select); coding-DNA position 1220, G replaced by A.
Protein change: p.Gly407Asp; replaces glycine 407 with aspartic acid.
Molecular consequence: missense variant.
Genome position (GRCh38, 1-based): chr17:50,195,311, C>T on the plus strand (G>A on the coding strand, the complement: COL1A1 is on the minus strand). VCF-style: chr17-50195311-C-T. GRCh37 (hg19) VCF-style: chr17-48272672-C-T.
Other names: short protein forms G407D.
Identifiers: ClinVar variation 3634729 (VCV003634729.2).

ClinVar aggregate classification (germline): Pathogenic (1 of 4 stars; one submission).

Conditions:
Osteogenesis imperfecta type I (OI1). Also called: Lobstein's Disease; Lobstein disease; Classic Non-deforming Osteogenesis Imperfecta with Blue Sclerae; OI, TYPE I; OSTEOGENESIS IMPERFECTA TARDA; OSTEOGENESIS IMPERFECTA WITH BLUE SCLERAE. Identifiers: Orphanet 216796, Orphanet 666, MedGen C0023931, MONDO:0008146, OMIM 166200. Disease mechanism: loss of function.

Submission:

Labcorp Genetics (formerly Invitae), Labcorp
Classification: Pathogenic for Osteogenesis imperfecta type I. Last evaluated: 2024-07-25. Review status: criteria provided, single submitter. Criteria: Invitae Variant Classification Sherloc (09022015). Collection method: clinical testing. Allele origin: germline.
Comment: This sequence change replaces glycine, which is neutral and non-polar, with aspartic acid, which is acidic and polar, at codon 407 of the COL1A1 protein (p.Gly407Asp). This variant is not present in population databases (gnomAD no frequency). This missense change has been observed in individual(s) with osteogenesis imperfecta (Invitae). Advanced modeling of protein sequence and biophysical properties (such as structural, functional, and spatial information, amino acid conservation, physicochemical variation, residue mobility, and thermodynamic stability) performed at Invitae indicates that this missense variant is expected to disrupt COL1A1 protein function with a positive predictive value of 95%. This variant disrupts the triple helix domain of COL1A1. Glycine residues within the Gly-Xaa-Yaa repeats of the triple helix domain are required for the structure and stability of fibrillar collagens (PMID: 7695699, 8218237, 19344236). In COL1A1, variants affecting these glycine residues are significantly enriched in individuals with disease (PMID: 9016532, 17078022) compared to the general population (ExAC). This variant disrupts the p.Gly407 amino acid residue in COL1A1. Other variant(s) that disrupt this residue have been observed in individuals with COL1A1-related conditions (PMID: 11317364, 17078022; Invitae), which suggests that this may be a clinically significant amino acid residue. For these reasons, this variant has been classified as Pathogenic.

Literature cited by the submitters: PubMed 7695699; PubMed 8218237; PubMed 19344236; PubMed 9016532; PubMed 17078022; PubMed 11317364.